The following is an entry in ClinVar:

NM_001330360.2(POLA1):c.110G>A (p.Arg37His)

Gene: POLA1 (DNA polymerase alpha 1, catalytic subunit; plus strand). Cytogenetic location: Xp22.11.
Variant type: single nucleotide variant.
Coding change: c.110G>A on transcript NM_001330360.2 (MANE Select); coding-DNA position 110, G replaced by A.
Protein change: p.Arg37His; replaces arginine 37 with histidine.
Molecular consequence: missense variant. On other transcripts: non-coding transcript variant (2).
Genome position (GRCh38, 1-based): chrX:24,699,491, G>A. VCF-style: chrX-24699491-G-A. GRCh37 (hg19) VCF-style: chrX-24717608-G-A.
Other names: c.110G>A, p.Arg37His (NM_001378303.1); c.92G>A, p.Arg31His (NM_016937.4); c.92G>A (NM_016937.3); short protein forms R31H, R37H.
Identifiers: ClinVar variation 1404359 (VCV001404359.9), dbSNP rs371458274, ClinGen allele CA10372713.
Genomic context (GRCh38, chrX:24,699,491, plus strand): 5'-CAGATTCAGGGAGTTTTGTATCTTCTCGAGCCCGGCGAGAAAAAAAATCAAAGAAGGGGC[G>A]CCAAGAAGCCCTAGAAAGACTGAAAAAGGCTAAAGCTGGTGAGAAGTATAAATATGAAGT-3'
Protein context (NP_001317289.1, residues 27-47): ARREKKSKKG[Arg37His]QEALERLKKA

ClinVar aggregate classification (germline): Uncertain significance. Review status: criteria provided, multiple submitters, no conflicts (2 of 4 stars). 2 submissions from 2 submitters: Uncertain significance (2). Last evaluated 2025-03-10.

Conditions:
Inborn genetic diseases. Identifiers: MedGen C0950123, MeSH D030342.

Allele frequency attached by ClinVar (database versions not stated): gnomAD 0.00003 and 0.00004; gnomAD exomes 0.00003; ExAC 0.00007; ESP Exome Variant Server 0.00019; 1000 Genomes Project 30x 0.00021; 1000 Genomes Project 0.00026.
gnomAD v4.1: 59 of 1,180,803 alleles (0.005%); highest among the groups gnomAD compares: Middle Eastern, 0.023%; no homozygotes.

Submissions (2):

Labcorp Genetics (formerly Invitae), Labcorp
Classification: Uncertain significance. Last evaluated: 2025-03-10. Review status: criteria provided, single submitter. Criteria: Invitae Variant Classification Sherloc (09022015). Collection method: clinical testing. Allele origin: germline.
Comment: This sequence change replaces arginine, which is basic and polar, with histidine, which is basic and polar, at codon 31 of the POLA1 protein (p.Arg31His). The frequency data for this variant in the population databases is considered unreliable, as metrics indicate poor data quality at this position in the gnomAD database. This variant has not been reported in the literature in individuals affected with POLA1-related conditions. ClinVar contains an entry for this variant (Variation ID: 1404359). Invitae Evidence Modeling of protein sequence and biophysical properties (such as structural, functional, and spatial information, amino acid conservation, physicochemical variation, residue mobility, and thermodynamic stability) indicates that this missense variant is expected to disrupt POLA1 protein function with a positive predictive value of 80%. In summary, the available evidence is currently insufficient to determine the role of this variant in disease. Therefore, it has been classified as a Variant of Uncertain Significance.

Ambry Genetics
Classification: Uncertain significance for Inborn genetic diseases. Last evaluated: 2022-03-10. Review status: criteria provided, single submitter. Criteria: Ambry Variant Classification Scheme 2023. Collection method: clinical testing. Allele origin: germline.